The following is an entry in ClinVar:

ClinVar aggregate classification (germline): Likely benign. Review status: criteria provided, multiple submitters, no conflicts (2 of 4 stars). 5 submissions from 5 submitters: Likely benign (5). Last evaluated 2026-05-21.

Conditions:
KBG syndrome (KBGS). Also called: ANKRD11-Related KBG Syndrome. Identifiers: Orphanet 2332, MedGen C0220687, MONDO:0007846, OMIM 148050.
Inborn genetic diseases. Identifiers: MedGen C0950123, MeSH D030342.

gnomAD v4.1: 135 of 1,607,290 alleles (0.0084%); highest among the groups gnomAD compares: Admixed American, 0.14%; 1 homozygote.

Submissions (5):

Women's Health and Genetics/Laboratory Corporation of America, LabCorp
Classification: Likely benign. Last evaluated: 2026-05-21. Review status: criteria provided, single submitter. Criteria: LabCorp Variant Classification Summary - May 2015. Collection method: clinical testing. Allele origin: germline.
Comment: Variant summary: ANKRD11 c.6262G>A (p.Ala2088Thr) results in a non-conservative amino acid change in the encoded protein sequence. Algorithms developed to predict the effect of missense changes on protein structure and function are either unavailable or do not agree on the potential impact of this missense change. The variant allele was found at a frequency of 0.00011 in 231060 control chromosomes. The observed variant frequency exceeds the estimated maximal expected allele frequency for disease-causing variants in ANKRD11. To our knowledge, no occurrence of c.6262G>A in individuals affected with ANKRD11-related conditions and no experimental evidence demonstrating its impact on protein function have been reported. ClinVar contains an entry for this variant (Variation ID: 1207839). Based on the evidence outlined above, the variant was classified as likely benign.

Labcorp Genetics (formerly Invitae), Labcorp
Classification: Likely benign for KBG syndrome. Last evaluated: 2025-02-07. Review status: criteria provided, single submitter. Criteria: Invitae Variant Classification Sherloc (09022015). Collection method: clinical testing. Allele origin: germline.

Fulgent Genetics
Classification: Likely benign for KBG syndrome. Last evaluated: 2021-09-07. Review status: criteria provided, single submitter. Criteria: ACMG Guidelines, 2015. Collection method: clinical testing. Allele origin: unknown.

GeneDx
Classification: Likely benign. Last evaluated: 2021-05-26. Review status: criteria provided, single submitter. Criteria: GeneDx Variant Classification Process June 2021. Collection method: clinical testing. Allele origin: germline. Affected: yes.

Ambry Genetics
Classification: Likely benign for Inborn genetic diseases. Last evaluated: 2017-12-07. Review status: criteria provided, single submitter. Criteria: Ambry Variant Classification Scheme 2023. Collection method: clinical testing. Allele origin: germline.

NM_013275.6(ANKRD11):c.6262G>A (p.Ala2088Thr)

Gene: ANKRD11 (ankyrin repeat domain 11; minus strand). Cytogenetic location: 16q24.3.
Variant type: single nucleotide variant.
Coding change: c.6262G>A on transcript NM_013275.6 (MANE Select); coding-DNA position 6262, G replaced by A.
Protein change: p.Ala2088Thr; replaces alanine 2088 with threonine.
Molecular consequence: missense variant.
Genome position (GRCh38, 1-based): chr16:89,280,280, C>T on the plus strand (G>A on the coding strand, the complement: ANKRD11 is on the minus strand). VCF-style: chr16-89280280-C-T. GRCh37 (hg19) VCF-style: chr16-89346688-C-T.
Other names: c.6262G>A, p.Ala2088Thr (NM_001256182.2, NM_001256183.2); short protein forms A2088T.
Identifiers: ClinVar variation 1207839 (VCV001207839.14), dbSNP rs753691962, ClinGen allele CA8241513.